The following is an entry in ClinVar:

NM_001458.5(FLNC):c.4201A>G (p.Lys1401Glu)

Gene: FLNC (filamin C; plus strand). Cytogenetic location: 7q32.1.
Variant type: single nucleotide variant.
Coding change: c.4201A>G on transcript NM_001458.5 (MANE Select); coding-DNA position 4201, A replaced by G.
Protein change: p.Lys1401Glu; replaces lysine 1401 with glutamic acid.
Molecular consequence: missense variant.
Genome position (GRCh38, 1-based): chr7:128,846,818, A>G. VCF-style: chr7-128846818-A-G. GRCh37 (hg19) VCF-style: chr7-128486872-A-G.
Other names: c.4201A>G, p.Lys1401Glu (NM_001127487.2); short protein forms K1401E.
Identifiers: ClinVar variation 1738663 (VCV001738663.5), dbSNP rs1808588507, ClinGen allele CA369200626.

ClinVar aggregate classification (germline): Uncertain significance. Review status: criteria provided, multiple submitters, no conflicts (2 of 4 stars). 2 submissions from 2 submitters: Uncertain significance (2). Last evaluated 2025-08-30.

Conditions:
Distal myopathy with posterior leg and anterior hand involvement. Also called: WILLIAMS DISTAL MYOPATHY. Identifiers: Orphanet 63273, MedGen C3279722, MONDO:0013550, OMIM 614065.
Hypertrophic cardiomyopathy 26. Also called: Cardiomyopathy, familial hypertrophic, 26. Identifiers: Orphanet 75249, MedGen C4310749, MONDO:0014883, OMIM 617047.
Myofibrillar myopathy 5. Also called: Filaminopathy (type); FILAMINOPATHY, AUTOSOMAL DOMINANT. Identifiers: Orphanet 171445, MedGen C1836050, MONDO:0012289, OMIM 609524.
Cardiovascular phenotype. Identifiers: MedGen CN230736.

Allele frequency attached by ClinVar (database versions not stated): gnomAD exomes below 0.00001.
gnomAD v4.1: 5 of 1,614,204 alleles (0.00031%); highest among the groups gnomAD compares: Non-Finnish European, 0.00042%; no homozygotes.

Submissions (2):

Ambry Genetics
Classification: Uncertain significance for Cardiovascular phenotype. Last evaluated: 2025-08-30. Review status: criteria provided, single submitter. Criteria: Ambry Variant Classification Scheme 2023. Collection method: clinical testing. Allele origin: germline.
Comment: The p.K1401E variant (also known as c.4201A>G), located in coding exon 24 of the FLNC gene, results from an A to G substitution at nucleotide position 4201. The lysine at codon 1401 is replaced by glutamic acid, an amino acid with similar properties. This amino acid position is highly conserved in available vertebrate species. In addition, this alteration is predicted to be deleterious by in silico analysis. Since supporting evidence is limited at this time, the clinical significance of this alteration remains unclear.

Labcorp Genetics (formerly Invitae), Labcorp
Classification: Uncertain significance for Distal myopathy with posterior leg and anterior hand involvement; Myofibrillar myopathy 5; Hypertrophic cardiomyopathy 26. Last evaluated: 2024-04-25. Review status: criteria provided, single submitter. Criteria: Invitae Variant Classification Sherloc (09022015). Collection method: clinical testing. Allele origin: germline.
Comment: This sequence change replaces lysine, which is basic and polar, with glutamic acid, which is acidic and polar, at codon 1401 of the FLNC protein (p.Lys1401Glu). This variant is not present in population databases (gnomAD no frequency). This variant has not been reported in the literature in individuals affected with FLNC-related conditions. ClinVar contains an entry for this variant (Variation ID: 1738663). Advanced modeling of protein sequence and biophysical properties (such as structural, functional, and spatial information, amino acid conservation, physicochemical variation, residue mobility, and thermodynamic stability) has been performed at Invitae for this missense variant, however the output from this modeling did not meet the statistical confidence thresholds required to predict the impact of this variant on FLNC protein function. In summary, the available evidence is currently insufficient to determine the role of this variant in disease. Therefore, it has been classified as a Variant of Uncertain Significance.